The following is an entry in ClinVar:

NM_007192.4(SUPT16H):c.2218T>C (p.Phe740Leu)

Gene: SUPT16H (SPT16 homolog, facilitates chromatin remodeling subunit; minus strand). Cytogenetic location: 14q11.2.
Variant type: single nucleotide variant.
Coding change: c.2218T>C on transcript NM_007192.4 (MANE Select); coding-DNA position 2218, T replaced by C.
Protein change: p.Phe740Leu; replaces phenylalanine 740 with leucine.
Molecular consequence: missense variant.
Genome position (GRCh38, 1-based): chr14:21,359,567, A>G on the plus strand (T>C on the coding strand, the complement: SUPT16H is on the minus strand). VCF-style: chr14-21359567-A-G. GRCh37 (hg19) VCF-style: chr14-21827726-A-G.
Other names: short protein forms F740L.
Identifiers: ClinVar variation 3343836 (VCV003343836.1).

ClinVar aggregate classification (germline): Uncertain significance (1 of 4 stars; one submission).

Submission:

GeneDx
Classification: Uncertain significance. Last evaluated: 2023-05-26. Review status: criteria provided, single submitter. Criteria: GeneDx Variant Classification Process June 2021. Collection method: clinical testing. Allele origin: germline. Affected: yes.
Comment: Not observed at significant frequency in large population cohorts (gnomAD); In silico analysis supports that this missense variant has a deleterious effect on protein structure/function; Has not been previously published as pathogenic or benign to our knowledge